The following is an entry in ClinVar:

ClinVar aggregate classification (germline): Likely benign (1 of 4 stars; one submission).

Conditions:
NCAPD3-related disorder. Also called: NCAPD3-related condition.

gnomAD v4.1: 1,219 of 1,562,704 alleles (0.078%); highest among the groups gnomAD compares: East Asian, 2.7%; 37 homozygotes.

Submission:

PreventionGenetics, part of Exact Sciences
Classification: Likely benign for NCAPD3-related condition. Last evaluated: 2025-11-14. Review status: criteria provided, single submitter. Criteria: ACMG Guidelines, 2015. Collection method: clinical testing. Allele origin: germline.
Comment: This variant is classified as likely benign based on ACMG/AMP sequence variant interpretation guidelines (Richards et al. 2015 PMID: 25741868, with internal and published modifications).

NM_015261.3(NCAPD3):c.1825-5C>G

Gene: NCAPD3 (non-SMC condensin II complex subunit D3; minus strand). Cytogenetic location: 11q25.
Variant type: single nucleotide variant.
Coding change: c.1825-5C>G on transcript NM_015261.3 (MANE Select); 5 bases into the intron before coding-DNA position 1825, C replaced by G.
Molecular consequence: intron variant.
Genome position (GRCh38, 1-based): chr11:134,192,914, G>C on the plus strand (C>G on the coding strand, the complement: NCAPD3 is on the minus strand). VCF-style: chr11-134192914-G-C. GRCh37 (hg19) VCF-style: chr11-134062809-G-C.
Other names: c.1411-5C>G (NM_001372070.1, NM_001372069.1); c.1825-5C>G (NM_001372065.1, NM_001372068.1).
Identifiers: ClinVar variation 4981016 (VCV004981016.1).
Genomic context (GRCh38, chr11:134,192,914, plus strand): 5'-ACCGGGACCACCCCCCGCAACCAGGCTTTCTGGATCTGCACGCATCTAGGCTGAGCCTTA[G>C]GAGTGAAAGATTATGACATGAGAAGGTCTAAATACAAGTCAGGGAAGTTGTGATCAACAT-3'